The following is an entry in ClinVar:

ClinVar aggregate classification (germline): Uncertain significance (1 of 4 stars; one submission).

gnomAD v4.1: 53 of 1,598,882 alleles (0.0033%); highest among the groups gnomAD compares: Admixed American, 0.023%; no homozygotes.

Submission:

Labcorp Genetics (formerly Invitae), Labcorp
Classification: Uncertain significance. Last evaluated: 2025-11-21. Review status: criteria provided, single submitter. Criteria: Invitae Variant Classification Sherloc (09022015). Collection method: clinical testing. Allele origin: germline.
Comment: This sequence change replaces alanine, which is neutral and non-polar, with valine, which is neutral and non-polar, at codon 217 of the XPO5 protein (p.Ala217Val). This variant is present in population databases (rs753088331, gnomAD 0.01%). This variant has not been reported in the literature in individuals affected with XPO5-related conditions. An algorithm developed to predict the effect of missense changes on protein structure and function (PolyPhen-2) suggests that this variant is likely to be tolerated. In summary, the available evidence is currently insufficient to determine the role of this variant in disease. Therefore, it has been classified as a Variant of Uncertain Significance.

NM_020750.3(XPO5):c.650C>T (p.Ala217Val)

Gene: XPO5 (exportin 5; minus strand). Cytogenetic location: 6p21.1.
Variant type: single nucleotide variant.
Coding change: c.650C>T on transcript NM_020750.3 (MANE Select); coding-DNA position 650, C replaced by T.
Protein change: p.Ala217Val; replaces alanine 217 with valine.
Molecular consequence: missense variant. On other transcripts: non-coding transcript variant (1).
Genome position (GRCh38, 1-based): chr6:43,567,353, G>A on the plus strand (C>T on the coding strand, the complement: XPO5 is on the minus strand). VCF-style: chr6-43567353-G-A. GRCh37 (hg19) VCF-style: chr6-43535090-G-A.
Other names: short protein forms A217V.
Identifiers: ClinVar variation 4737773 (VCV004737773.1).